The following is an entry in ClinVar:

NM_001614.5(ACTG1):c.198C>T (p.Thr66=)

Gene: ACTG1 (actin gamma 1; minus strand). Cytogenetic location: 17q25.3.
Variant type: single nucleotide variant.
Coding change: c.198C>T on transcript NM_001614.5 (MANE Select); coding-DNA position 198, C replaced by T.
Protein change: p.Thr66=; no amino-acid change (threonine 66 retained).
Molecular consequence: synonymous variant. On other transcripts: non-coding transcript variant (1).
Genome position (GRCh38, 1-based): chr17:81,512,068, G>A on the plus strand (C>T on the coding strand, the complement: ACTG1 is on the minus strand). VCF-style: chr17-81512068-G-A. GRCh37 (hg19) VCF-style: chr17-79479094-G-A.
Other names: c.198C>T (NM_001614.3); c.198C>T, p.Thr66= (NM_001199954.3).
Identifiers: ClinVar variation 2953385 (VCV002953385.4), dbSNP rs147032031, ClinGen allele CA8836320.
Genomic context (GRCh38, chr17:81,512,068, plus strand): 5'-CCAGATCTTCTCCATGTCGTCCCAGTTGGTGACGATGCCATGCTCAATGGGGTACTTCAG[G>A]GTCAGGATGCCACGCTTGCTCTGGGCCTCGTCGCCCACGTAGGAGTCCTTCTGGCCCATG-3'
Protein context (NP_001605.1, residues 56-76): DEAQSKRGIL[Thr66=]LKYPIEHGIV

ClinVar aggregate classification (germline): Likely benign. Review status: criteria provided, multiple submitters, no conflicts (2 of 4 stars). 2 submissions from 2 submitters: Likely benign (2). Last evaluated 2026-07-11.

Conditions:
Autosomal dominant nonsyndromic hearing loss 20. Identifiers: Orphanet 90635, MedGen C1858172, MONDO:0011480, OMIM 604717.
Baraitser-winter syndrome 2. Identifiers: Orphanet 2995, MedGen C3281235, MONDO:0013812, OMIM 614583.
ACTG1-related disorder. Also called: ACTG1-related condition; ACTG1-related disorders.

Allele frequency attached by ClinVar (database versions not stated): gnomAD 0.00003; ESP Exome Variant Server 0.00008.
gnomAD v4.1: 63 of 1,613,832 alleles (0.0039%); highest among the groups gnomAD compares: South Asian, 0.023%; 1 homozygote.

Submissions (2):

PreventionGenetics, part of Exact Sciences
Classification: Likely benign for ACTG1-related condition. Last evaluated: 2026-07-11. Review status: criteria provided, single submitter. Criteria: ACMG Guidelines, 2015. Collection method: clinical testing. Allele origin: germline.
Comment: This variant is classified as likely benign based on ACMG/AMP sequence variant interpretation guidelines (Richards et al. 2015 PMID: 25741868, with internal and published modifications).

Labcorp Genetics (formerly Invitae), Labcorp
Classification: Likely benign for Baraitser-winter syndrome 2; Autosomal dominant nonsyndromic hearing loss 20. Last evaluated: 2026-01-26. Review status: criteria provided, single submitter. Criteria: Invitae Variant Classification Sherloc (09022015). Collection method: clinical testing. Allele origin: germline.